The following is an entry in ClinVar:

ClinVar aggregate classification (germline): Uncertain significance (1 of 4 stars; one submission).

Allele frequency attached by ClinVar (database versions not stated): TOPMed below 0.00001.

Submission:

Labcorp Genetics (formerly Invitae), Labcorp
Classification: Uncertain significance. Last evaluated: 2025-01-15. Review status: criteria provided, single submitter. Criteria: Invitae Variant Classification Sherloc (09022015). Collection method: clinical testing. Allele origin: germline.
Comment: This sequence change replaces serine, which is neutral and polar, with asparagine, which is neutral and polar, at codon 1239 of the MTOR protein (p.Ser1239Asn). This variant is not present in population databases (gnomAD no frequency). This variant has not been reported in the literature in individuals affected with MTOR-related conditions. ClinVar contains an entry for this variant (Variation ID: 1053185). Invitae Evidence Modeling of protein sequence and biophysical properties (such as structural, functional, and spatial information, amino acid conservation, physicochemical variation, residue mobility, and thermodynamic stability) indicates that this missense variant is not expected to disrupt MTOR protein function with a negative predictive value of 95%. In summary, the available evidence is currently insufficient to determine the role of this variant in disease. Therefore, it has been classified as a Variant of Uncertain Significance.

NM_004958.4(MTOR):c.3716G>A (p.Ser1239Asn)

Gene: MTOR (mechanistic target of rapamycin kinase; minus strand). Cytogenetic location: 1p36.22.
Variant type: single nucleotide variant.
Coding change: c.3716G>A on transcript NM_004958.4 (MANE Select); coding-DNA position 3716, G replaced by A.
Protein change: p.Ser1239Asn; replaces serine 1239 with asparagine.
Molecular consequence: missense variant.
Genome position (GRCh38, 1-based): chr1:11,209,397, C>T on the plus strand (G>A on the coding strand, the complement: MTOR is on the minus strand). VCF-style: chr1-11209397-C-T. GRCh37 (hg19) VCF-style: chr1-11269454-C-T.
Other names: c.3716G>A, p.Ser1239Asn (NM_001386500.1); c.2468G>A, p.Ser823Asn (NM_001386501.1); short protein forms S1239N, S823N.
Identifiers: ClinVar variation 1053185 (VCV001053185.6), dbSNP rs868768181, ClinGen allele CA17915917.